The following is an entry in ClinVar:

ClinVar aggregate classification (germline): Uncertain significance (1 of 4 stars; one submission).

Conditions:
Mosaic variegated aneuploidy syndrome 1 (MVA1). Also called: Warburton-Anyane-Yeboa syndrome. Identifiers: Orphanet 1052, MedGen C1850343, MONDO:0009759, OMIM 257300.

gnomAD v4.1: 17 of 1,614,006 alleles (0.0011%); highest among the groups gnomAD compares: Non-Finnish European, 0.0014%; no homozygotes.

Submission:

Labcorp Genetics (formerly Invitae), Labcorp
Classification: Uncertain significance for Mosaic variegated aneuploidy syndrome 1. Last evaluated: 2025-02-15. Review status: criteria provided, single submitter. Criteria: Invitae Variant Classification Sherloc (09022015). Collection method: clinical testing. Allele origin: germline.
Comment: This sequence change replaces arginine, which is basic and polar, with glutamine, which is neutral and polar, at codon 416 of the BUB1B protein (p.Arg416Gln). This variant is present in population databases (no rsID available, gnomAD 0.003%). This variant has not been reported in the literature in individuals affected with BUB1B-related conditions. An algorithm developed to predict the effect of missense changes on protein structure and function (PolyPhen-2) suggests that this variant is likely to be disruptive. In summary, the available evidence is currently insufficient to determine the role of this variant in disease. Therefore, it has been classified as a Variant of Uncertain Significance.

NM_001211.6(BUB1B):c.1247G>A (p.Arg416Gln)

Gene: BUB1B (BUB1 mitotic checkpoint serine/threonine kinase B; plus strand). Cytogenetic location: 15q15.1.
Variant type: single nucleotide variant.
Coding change: c.1247G>A on transcript NM_001211.6 (MANE Select); coding-DNA position 1247, G replaced by A.
Protein change: p.Arg416Gln; replaces arginine 416 with glutamine.
Molecular consequence: missense variant.
Genome position (GRCh38, 1-based): chr15:40,196,733, G>A. VCF-style: chr15-40196733-G-A. GRCh37 (hg19) VCF-style: chr15-40488934-G-A.
Other names: short protein forms R416Q.
Identifiers: ClinVar variation 4710409 (VCV004710409.1).